The following is an entry in ClinVar:

ClinVar aggregate classification (germline): Benign. Review status: criteria provided, single submitter (1 of 4 stars). 2 submissions from 2 submitters: Benign (1). 1 of the submissions does not count toward it. Last evaluated 2019-03-24.

Submissions (2):

GeneDx
Classification: Benign. Last evaluated: 2019-03-24. Review status: criteria provided, single submitter. Criteria: GeneDx Variant Classification Process June 2021. Collection method: clinical testing. Allele origin: germline. Affected: yes.

ITMI
No classification provided. Condition: AllHighlyPenetrant. Last evaluated: 2013-09-19. Review status: no classification provided. Collection method: reference population. Allele origin: germline. Not counted in ClinVar's aggregate classification.
Comment: Please see associated publication for description of ethnicities

Literature cited by the submitters: PubMed 24728327 (cited by ITMI).

NM_000400.4(ERCC2):c.1119-25dup

Gene: ERCC2 (ERCC excision repair 2, TFIIH core complex helicase subunit; minus strand). Cytogenetic location: 19q13.32.
Variant type: Duplication.
Coding change: c.1119-25dup on transcript NM_000400.4 (MANE Select); 25 bases into the intron before coding-DNA position 1119, one base duplicated (C; older notation c.1119-25dupC).
Molecular consequence: intron variant.
Genome position (GRCh38, 1-based): chr19:45,361,667, G duplicated on the plus strand (C on the coding strand, the reverse complement: ERCC2 is on the minus strand); the first of 6 consecutive G bases (chr19:45,361,667-45,361,672); duplicating any one gives the same sequence. VCF-style (leftmost placement, unchanged base first): chr19-45361666-C-CG. GRCh37 (hg19) VCF-style: chr19-45864924-C-CG.
Other names: c.1047-25dup (NM_001130867.2).
Identifiers: ClinVar variation 135525 (VCV000135525.4), dbSNP rs56170134, ClinGen allele CA162982.